The following is an entry in ClinVar:

NM_000275.3(OCA2):c.961C>T (p.Gln321Ter)

Gene: OCA2 (OCA2 melanosomal transmembrane protein; minus strand). Cytogenetic location: 15q13.1.
Variant type: single nucleotide variant.
Coding change: c.961C>T on transcript NM_000275.3 (MANE Select); coding-DNA position 961, C replaced by T.
Protein change: p.Gln321Ter; replaces glutamine 321 with a stop codon.
Molecular consequence: nonsense.
Genome position (GRCh38, 1-based): chr15:28,014,859, G>A on the plus strand (C>T on the coding strand, the complement: OCA2 is on the minus strand). VCF-style: chr15-28014859-G-A. GRCh37 (hg19) VCF-style: chr15-28260005-G-A.
Other names: c.961C>T, p.Gln321Ter (NM_001300984.2); short protein forms Q321*.
Identifiers: ClinVar variation 2131367 (VCV002131367.5), dbSNP rs542587081, ClinGen allele CA7439281.
Genomic context (GRCh38, chr15:28,014,859, plus strand): 5'-CGCCCGCGAGGATGGCCGTCGCGATGGTCACCTGGGTTTCTACACTTCCGCGGAGGTACT[G>A]ATGAGCCATCAAAAGAGGGACAGCCTGGGTCTGCTGCAGGGAGGCCCGGATGCTGATGGA-3'

ClinVar aggregate classification (germline): Pathogenic. Review status: criteria provided, multiple submitters, no conflicts (2 of 4 stars). 2 submissions from 2 submitters: Pathogenic (2). Last evaluated 2025-10-02.

Conditions:
Tyrosinase-positive oculocutaneous albinism (OCA2). Also called: ALBINISM II; Oculocutaneous albinism type 2; Albinism, oculocutaneous, type II. Identifiers: Orphanet 79432, MedGen C0268495, MONDO:0008746, OMIM 203200.

Allele frequency attached by ClinVar (database versions not stated): 1000 Genomes Project 30x 0.00031; gnomAD 0.00001; 1000 Genomes Project 0.00020.
gnomAD v4.1: 1 of 1,614,150 alleles (0.000062%); highest among the groups gnomAD compares: African/African-American, 0.0013%; no homozygotes.

Submissions (2):

Myriad Genetics, Inc.
Classification: Pathogenic for Tyrosinase-positive oculocutaneous albinism. Last evaluated: 2025-10-02. Review status: criteria provided, single submitter. Criteria: Myriad Autosomal Dominant, Autosomal Recessive and X-Linked Classification Criteria (2023). Collection method: clinical testing. Allele origin: unknown.
Comment: NM_000275.2(OCA2):c.961C>T(Q321*) is expected to be pathogenic in the context of oculocutaneous albinism, OCA2-related. This variant is predicted to lead to an abnormal or absent protein product due to the creation of a premature termination codon in OCA2, a gene where loss-of-function variants are known to be pathogenic. Please note: this variant was assessed in the context of healthy population screening.

Labcorp Genetics (formerly Invitae), Labcorp
Classification: Pathogenic. Last evaluated: 2022-04-28. Review status: criteria provided, single submitter. Criteria: Invitae Variant Classification Sherloc (09022015). Collection method: clinical testing. Allele origin: germline.
Comment: For these reasons, this variant has been classified as Pathogenic. This variant has not been reported in the literature in individuals affected with OCA2-related conditions. This variant is present in population databases (rs542587081, gnomAD 0.007%). This sequence change creates a premature translational stop signal (p.Gln321*) in the OCA2 gene. It is expected to result in an absent or disrupted protein product. Loss-of-function variants in OCA2 are known to be pathogenic (PMID: 19865097, 21541274).

Literature cited by the submitters: PubMed 19865097 (cited by Labcorp Genetics (formerly Invitae), Labcorp); PubMed 21541274 (cited by Labcorp Genetics (formerly Invitae), Labcorp).